The following is an entry in ClinVar:

NM_152866.3(MS4A1):c.819A>G (p.Glu273=)

Gene: MS4A1 (membrane spanning 4-domains A1; plus strand). Cytogenetic location: 11q12.2.
Variant type: single nucleotide variant.
Coding change: c.819A>G on transcript NM_152866.3 (MANE Select); coding-DNA position 819, A replaced by G.
Protein change: p.Glu273=; no amino-acid change (glutamic acid 273 retained).
Molecular consequence: synonymous variant.
Genome position (GRCh38, 1-based): chr11:60,468,393, A>G. VCF-style: chr11-60468393-A-G. GRCh37 (hg19) VCF-style: chr11-60235866-A-G.
Other names: c.819A>G, p.Glu273= (NM_021950.4, NM_152867.2).
Identifiers: ClinVar variation 3044444 (VCV003044444.2), dbSNP rs199815651, ClinGen allele CA6025093.

ClinVar aggregate classification (germline): Likely benign (0 of 4 stars; one submission).

Conditions:
MS4A1-related disorder. Also called: MS4A1-related condition.

Allele frequency attached by ClinVar (database versions not stated): gnomAD 0.00003; gnomAD exomes 0.00003; ExAC 0.00013; 1000 Genomes Project 30x 0.00031; 1000 Genomes Project 0.00040.
gnomAD v4.1: 51 of 1,614,192 alleles (0.0032%); highest among the groups gnomAD compares: South Asian, 0.048%; no homozygotes.

Submission:

PreventionGenetics, part of Exact Sciences
Classification: Likely benign for MS4A1-related condition. Last evaluated: 2022-11-23. Review status: no assertion criteria provided. Collection method: clinical testing. Allele origin: germline.
Comment: This variant is classified as likely benign based on ACMG/AMP sequence variant interpretation guidelines (Richards et al. 2015 PMID: 25741868, with internal and published modifications).